The following is an entry in ClinVar:

ClinVar aggregate classification (germline): Likely benign. Review status: criteria provided, multiple submitters, no conflicts (2 of 4 stars). 2 submissions from 2 submitters: Likely benign (2). Last evaluated 2025-12-11.

Conditions:
Saldino-Mainzer syndrome (SRTD9). Also called: CONORENAL SYNDROME; SHORT-RIB THORACIC DYSPLASIA 9 WITHOUT POLYDACTYLY; short-rib thoracic dysplasia 9 with or without polydactyly; Renal dysplasia, retinal pigmentary dystrophy, cerebellar ataxia and skeletal dysplasia. Identifiers: Orphanet 140969, MedGen C1849437, MONDO:0009964, OMIM 266920.
IFT140-related disorder. Also called: IFT140-related condition.

Allele frequency attached by ClinVar (database versions not stated): gnomAD exomes 0.00001 and 0.00002; ExAC 0.00002; ESP Exome Variant Server 0.00008; gnomAD 0.00009; TOPMed 0.00011; 1000 Genomes Project 30x 0.00016; 1000 Genomes Project 0.00020.
gnomAD v4.1: 34 of 1,613,746 alleles (0.0021%); highest among the groups gnomAD compares: African/African-American, 0.035%; 1 homozygote.

Submissions (2):

PreventionGenetics, part of Exact Sciences
Classification: Likely benign for IFT140-related condition. Last evaluated: 2025-12-11. Review status: criteria provided, single submitter. Criteria: ACMG Guidelines, 2015. Collection method: clinical testing. Allele origin: germline.
Comment: This variant is classified as likely benign based on ACMG/AMP sequence variant interpretation guidelines (Richards et al. 2015 PMID: 25741868, with internal and published modifications).

Labcorp Genetics (formerly Invitae), Labcorp
Classification: Likely benign for Saldino-Mainzer syndrome. Last evaluated: 2025-09-20. Review status: criteria provided, single submitter. Criteria: Invitae Variant Classification Sherloc (09022015). Collection method: clinical testing. Allele origin: germline.

NM_014714.4(IFT140):c.3661-7T>C

Gene: IFT140 (intraflagellar transport 140; minus strand). Cytogenetic location: 16p13.3.
Variant type: single nucleotide variant.
Coding change: c.3661-7T>C on transcript NM_014714.4 (MANE Select); 7 bases into the intron before coding-DNA position 3661, T replaced by C.
Molecular consequence: intron variant.
Genome position (GRCh38, 1-based): chr16:1,520,350, A>G on the plus strand (T>C on the coding strand, the complement: IFT140 is on the minus strand). VCF-style: chr16-1520350-A-G. GRCh37 (hg19) VCF-style: chr16-1570351-A-G.
Other names: c.3661-7T>C (NM_014714.3).
Identifiers: ClinVar variation 1113781 (VCV001113781.10), dbSNP rs371103301, ClinGen allele CA7813071.
Genomic context (GRCh38, chr16:1,520,350, plus strand): 5'-CGCGAAGAACGTGATTTTCTCCGTGTCTCCGGATTTGAGCAGCGCCCTCATGGCCTAGGC[A>G]GAGAGACAGCGGGGCTCAGGCAAGCAGGGGCTGGGCCGGGACAAGCACAAGGGACCCCGA-3'